The following is an entry in ClinVar:

ClinVar aggregate classification (germline): Uncertain significance (1 of 4 stars; one submission).

Submission:

GeneDx
Classification: Uncertain significance. Last evaluated: 2024-09-13. Review status: criteria provided, single submitter. Criteria: GeneDx Variant Classification Process June 2021. Collection method: clinical testing. Allele origin: germline. Affected: yes.
Comment: Not observed at significant frequency in large population cohorts (gnomAD); In silico analysis indicates that this missense variant does not alter protein structure/function; Has not been previously published as pathogenic or benign to our knowledge

NM_002473.6(MYH9):c.3592G>C (p.Val1198Leu)

Gene: MYH9 (myosin heavy chain 9; minus strand). Cytogenetic location: 22q12.3.
Variant type: single nucleotide variant.
Coding change: c.3592G>C on transcript NM_002473.6 (MANE Select); coding-DNA position 3592, G replaced by C.
Protein change: p.Val1198Leu; replaces valine 1198 with leucine.
Molecular consequence: missense variant.
Genome position (GRCh38, 1-based): chr22:36,294,970, C>G on the plus strand (G>C on the coding strand, the complement: MYH9 is on the minus strand). VCF-style: chr22-36294970-C-G. GRCh37 (hg19) VCF-style: chr22-36691016-C-G.
Other names: short protein forms V1198L.
Identifiers: ClinVar variation 3769923 (VCV003769923.1).